The following is an entry in ClinVar:

NM_001080421.3(UNC13A):c.3832-5_3832-3del

Gene: UNC13A (unc-13 homolog A; minus strand). Cytogenetic location: 19p13.11.
Variant type: Deletion.
Coding change: c.3832-5_3832-3del on transcript NM_001080421.3 (MANE Select); 5 bases into the intron before coding-DNA position 3832 through 3 bases into the intron before coding-DNA position 3832, 3 bases deleted (CTT; older notation c.3832-5_3832-3delCTT).
Molecular consequence: intron variant.
Genome position (GRCh38, 1-based): chr19:17,627,600-17,627,602, AAG deleted on the plus strand (CTT on the coding strand, the reverse complement: UNC13A is on the minus strand). VCF-style (leftmost placement, unchanged base first): chr19-17627599-TAAG-T. GRCh37 (hg19) VCF-style: chr19-17738408-TAAG-T.
Other names: p.?; c.3823-5_3823-3del (NM_001387022.1); c.3826-5_3826-3del (NM_001387023.1, NM_001387021.1); c.3832-5_3832-3delCTT (NM_001080421.2); c.3832-5_3832-3del (NM_001080421.2).
Identifiers: ClinVar variation 3042724 (VCV003042724.3), dbSNP rs763843832, ClinGen allele CA9297892.

ClinVar aggregate classification (germline): Likely benign. Review status: criteria provided, single submitter (1 of 4 stars). 2 submissions from 2 submitters: Likely benign (1). 1 of the submissions does not count toward it. Last evaluated 2025-02-14.

Conditions:
UNC13A-related disorder. Also called: UNC13A-related condition.

Allele frequency attached by ClinVar (database versions not stated): gnomAD exomes 0.00004; gnomAD 0.00006; TOPMed 0.00007; ExAC 0.00004.

Submissions (2):

Mayo Clinic Laboratories, Mayo Clinic
Classification: Likely benign. Last evaluated: 2025-02-14. Review status: criteria provided, single submitter. Criteria: ACMG Guidelines, 2015. Collection method: clinical testing. Allele origin: germline. Observed: 1 variant allele.
Comment: BP4, BP7

PreventionGenetics, part of Exact Sciences
Classification: Likely benign for UNC13A-related condition. Last evaluated: 2019-06-27. Review status: no assertion criteria provided. Collection method: clinical testing. Allele origin: germline. Not counted in ClinVar's aggregate classification.
Comment: This variant is classified as likely benign based on ACMG/AMP sequence variant interpretation guidelines (Richards et al. 2015 PMID: 25741868, with internal and published modifications).